The following is an entry in ClinVar:

ClinVar aggregate classification (germline): Uncertain significance. Review status: criteria provided, multiple submitters, no conflicts (2 of 4 stars). 3 submissions from 3 submitters: Uncertain significance (3). Last evaluated 2025-02-14.

Conditions:
Malignant hyperthermia, susceptibility to, 1 (MHS1). Also called: Anesthesia related hyperthermia; Malignant hyperpyrexia; Fulminating hyperpyrexia; Pharmacogenic myopathy; RYR1-Related Malignant Hyperthermia Susceptibility; Malignant hyperthermia suceptibility 1. Identifiers: Orphanet 423, MedGen C2930980, MONDO:0007783, OMIM 145600.
RYR1-related disorder. Also called: RYR1-related condition; RYR1-related disorders. Identifiers: MedGen CN239331.

Submissions (3):

PreventionGenetics, part of Exact Sciences
Classification: Uncertain significance for RYR1-related condition. Last evaluated: 2025-02-14. Review status: criteria provided, single submitter. Criteria: ACMG Guidelines, 2015. Collection method: clinical testing. Allele origin: germline.
Comment: The RYR1 c.11176G>A variant is predicted to result in the amino acid substitution p.Ala3726Thr. To our knowledge, this variant has not been reported in the literature or in a large population database (gnomAD), indicating this variant is rare. At this time, the clinical significance of this variant is uncertain due to the absence of conclusive functional and genetic evidence.

CeGaT Center for Human Genetics Tuebingen
Classification: Uncertain significance. Last evaluated: 2024-07-01. Review status: criteria provided, single submitter. Criteria: CeGaT Center For Human Genetics Tuebingen Variant Classification Criteria Version 2. Collection method: clinical testing. Allele origin: germline. Affected: yes. Observed: 1 variant allele.
Comment: RYR1: PM2

All of Us Research Program, National Institutes of Health
Classification: Uncertain significance for Malignant hyperthermia, susceptibility to, 1. Last evaluated: 2023-06-26. Review status: criteria provided, single submitter. Criteria: ACMG Guidelines, 2015. Collection method: clinical testing. Allele origin: germline. Inheritance: Autosomal dominant inheritance. Observed: 1 variant allele, 1 heterozygote.
Comment: This missense variant replaces alanine with threonine at codon 3726 of the RYR1 protein. Computational prediction suggests that this variant may have deleterious impact on protein structure and function (internally defined REVEL score threshold >= 0.7, PMID: 27666373). To our knowledge, functional studies have not been reported for this variant. This variant has not been reported in individuals affected with RYR1-related disorders in the literature. This variant has not been identified in the general population by the Genome Aggregation Database (gnomAD). The available evidence is insufficient to determine the role of this variant in disease conclusively. Therefore, this variant is classified as a Variant of Uncertain Significance.

This study involves interpretation of variants in research participants for the purpose of population health screening. Participant phenotype was not available at the time of variant classification. Additional details can be found in publication PMID: 35346344, PMCID: PMC8962531

NM_000540.3(RYR1):c.11176G>A (p.Ala3726Thr)

Gene: RYR1 (ryanodine receptor 1; plus strand). Cytogenetic location: 19q13.2.
Variant type: single nucleotide variant.
Coding change: c.11176G>A on transcript NM_000540.3 (MANE Select); coding-DNA position 11176, G replaced by A.
Protein change: p.Ala3726Thr; replaces alanine 3726 with threonine.
Molecular consequence: missense variant.
Genome position (GRCh38, 1-based): chr19:38,532,524, G>A. VCF-style: chr19-38532524-G-A. GRCh37 (hg19) VCF-style: chr19-39023164-G-A.
Other names: c.11161G>A, p.Ala3721Thr (NM_001042723.2); short protein forms A3721T, A3726T.
Identifiers: ClinVar variation 3072222 (VCV003072222.18), dbSNP rs2514515896, ClinGen allele CA405652494.